The following is an entry in ClinVar:

NM_001197104.2(KMT2A):c.6584C>G (p.Ser2195Cys)

Gene: KMT2A (lysine methyltransferase 2A; plus strand). Cytogenetic location: 11q23.3.
Variant type: single nucleotide variant.
Coding change: c.6584C>G on transcript NM_001197104.2 (MANE Select); coding-DNA position 6584, C replaced by G.
Protein change: p.Ser2195Cys; replaces serine 2195 with cysteine.
Molecular consequence: missense variant.
Genome position (GRCh38, 1-based): chr11:118,502,476, C>G. VCF-style: chr11-118502476-C-G. GRCh37 (hg19) VCF-style: chr11-118373191-C-G.
Other names: c.6674C>G, p.Ser2225Cys (NM_001412597.1); c.6575C>G, p.Ser2192Cys (NM_005933.4); short protein forms S2195C, S2192C, S2225C.
Identifiers: ClinVar variation 4623059 (VCV004623059.2).

ClinVar aggregate classification (germline): Uncertain significance. Review status: criteria provided, multiple submitters, no conflicts (2 of 4 stars). 2 submissions from 2 submitters: Uncertain significance (2). Last evaluated 2025-11-19.

Conditions:
Inborn genetic diseases. Identifiers: MedGen C0950123, MeSH D030342.

Submissions (2):

Ambry Genetics
Classification: Uncertain significance for Inborn genetic diseases. Last evaluated: 2025-11-19. Review status: criteria provided, single submitter. Criteria: Ambry Variant Classification Scheme 2023. Collection method: clinical testing. Allele origin: germline.

Labcorp Genetics (formerly Invitae), Labcorp
Classification: Uncertain significance. Last evaluated: 2025-06-04. Review status: criteria provided, single submitter. Criteria: Invitae Variant Classification Sherloc (09022015). Collection method: clinical testing. Allele origin: germline.
Comment: This sequence change replaces serine, which is neutral and polar, with cysteine, which is neutral and slightly polar, at codon 2195 of the KMT2A protein (p.Ser2195Cys). This variant is not present in population databases (gnomAD no frequency). This variant has not been reported in the literature in individuals affected with KMT2A-related conditions. Invitae Evidence Modeling of protein sequence and biophysical properties (such as structural, functional, and spatial information, amino acid conservation, physicochemical variation, residue mobility, and thermodynamic stability) has been performed for this missense variant. However, the output from this modeling did not meet the statistical confidence thresholds required to predict the impact of this variant on KMT2A protein function. In summary, the available evidence is currently insufficient to determine the role of this variant in disease. Therefore, it has been classified as a Variant of Uncertain Significance.